The following is an entry in ClinVar:

NM_001110556.2(FLNA):c.6481G>A (p.Asp2161Asn)

Gene: FLNA (filamin A; minus strand). Cytogenetic location: Xq28.
Variant type: single nucleotide variant.
Coding change: c.6481G>A on transcript NM_001110556.2 (MANE Select); coding-DNA position 6481, G replaced by A.
Protein change: p.Asp2161Asn; replaces aspartic acid 2161 with asparagine.
Molecular consequence: missense variant.
Genome position (GRCh38, 1-based): chrX:154,352,574, C>T on the plus strand (G>A on the coding strand, the complement: FLNA is on the minus strand). VCF-style: chrX-154352574-C-T. GRCh37 (hg19) VCF-style: chrX-153580942-C-T.
Other names: c.6457G>A, p.Asp2153Asn (NM_001456.4); short protein forms D2153N, D2161N.
Identifiers: ClinVar variation 657730 (VCV000657730.19), dbSNP rs782477734, ClinGen allele CA10560082.
Genomic context (GRCh38, chrX:154,352,574, plus strand): 5'-AGCCCCAGGACCCCTCCCCAGGCTTCCCACAGCCCCTACCAGGGATTTTCAGGCTGAGGT[C>T]ACAATGACTACCAACGTTGGCCACTGAAGGAGCCCGACGCCTGCGGGTGATGCTCTCTTT-3'
Protein context (NP_001104026.1, residues 2151-2171): PSVANVGSHC[Asp2161Asn]LSLKIPEISI

ClinVar aggregate classification (germline): Conflicting classifications of pathogenicity. Review status: criteria provided, conflicting classifications (1 of 4 stars). 3 submissions from 3 submitters: Uncertain significance (1); Likely benign (2). Last evaluated 2025-07-14.

Conditions:
Frontometaphyseal dysplasia (FMD1). Identifiers: Orphanet 1826, MedGen C0265293, MONDO:0015942.
Oto-palato-digital syndrome, type II (OPD2). Also called: FACIOPALATOOSSEOUS SYNDROME; Otopalatodigital Syndrome, Type II; Otopalatodigital Syndrome Type 2 (FLNA-OPD2); OPD II SYNDROME. Identifiers: Orphanet 669, Orphanet 90652, MedGen C1844696, MONDO:0010571, OMIM 304120.
Heterotopia, periventricular, X-linked dominant (PVNH1). Also called: PERIVENTRICULAR NODULAR HETEROTOPIA 4; HETEROTOPIA, PERIVENTRICULAR, 1; PERIVENTRICULAR NODULAR HETEROTOPIA 1; X-linked periventricular heterotopia. Identifiers: Orphanet 2149, Orphanet 82004, MedGen C1848213, MONDO:0010233, OMIM 300049.
Melnick-Needles syndrome (MNS). Also called: Melnick-Needles Syndrome (FLNA-MNS); MELNICK-NEEDLES OSTEODYSPLASTY; OSTEODYSPLASTY OF MELNICK AND NEEDLES. Identifiers: Orphanet 2484, MedGen C0025237, MONDO:0010650, OMIM 309350.
Familial thoracic aortic aneurysm and aortic dissection (TAAD). Also called: Thoracic aortic aneurysms and dissections. Identifiers: Orphanet 91387, MedGen C4707243, MONDO:0019625.

Allele frequency attached by ClinVar (database versions not stated): gnomAD 0.00002 and 0.00003; gnomAD exomes 0.00003 and 0.00006; TOPMed 0.00005; ExAC 0.00006.
gnomAD v4.1: 16 of 1,210,521 alleles (0.0013%); highest among the groups gnomAD compares: Admixed American, 0.033%; no homozygotes.

Submissions (3):

Labcorp Genetics (formerly Invitae), Labcorp
Classification: Likely benign for Oto-palato-digital syndrome, type II; Heterotopia, periventricular, X-linked dominant; Frontometaphyseal dysplasia; Melnick-Needles syndrome. Last evaluated: 2025-07-14. Review status: criteria provided, single submitter. Criteria: Invitae Variant Classification Sherloc (09022015). Collection method: clinical testing. Allele origin: germline.

Ambry Genetics
Classification: Likely benign for Familial thoracic aortic aneurysm and aortic dissection. Last evaluated: 2023-12-12. Review status: criteria provided, single submitter. Criteria: Ambry Variant Classification Scheme 2023. Collection method: clinical testing. Allele origin: germline.

ARUP Laboratories, Molecular Genetics and Genomics, ARUP Laboratories
Classification: Uncertain significance. Last evaluated: 2021-11-09. Review status: criteria provided, single submitter. Criteria: ARUP Molecular Germline Variant Investigation Process 2021. Collection method: clinical testing. Allele origin: germline.
Comment: The FLNA c.6457G>A, p.Asp2153Asn variant (rs782477734), to our knowledge, is not reported in the medical literature but is reported in ClinVar (Variation ID: 657730). This variant is found in the Latino population with an allele frequency of 0.04% (11/27365 alleles, including 2 hemizygotes) in the Genome Aggregation Database. The asparagine at codon 2153 is highly conserved, but computational analyses are uncertain whether this variant is neutral or deleterious (REVEL: 0.242). Due to limited information, the clinical significance of the p.Asp2153Asn variant is uncertain at this time.